The following is an entry in ClinVar:

Conditions:
Breast-ovarian cancer, familial, susceptibility to, 1 (BROVCA1). Also called: BRCA1 Hereditary Breast and Ovarian Cancer; OVARIAN CANCER, SUSCEPTIBILITY TO. Identifiers: Orphanet 145, MedGen C2676676, MONDO:0011450, OMIM 604370. Disease mechanism: loss of function.

Submission:

Brotman Baty Institute, University of Washington
No classification provided (evidence only). Condition: Breast-ovarian cancer, familial 1. Review status: no classification provided. Collection method: in vitro. Allele origin: not applicable. Functional consequence: functionally_normal.
ClinVar note: "not provided" was previously submitted as the classification for the variant. However, the classification appeared to be based only on an observation of functional data so it was converted to no classification on 2025-07-30.

NM_007294.4(BRCA1):c.5173G>A (p.Glu1725Lys)

Gene: BRCA1 (BRCA1 DNA repair associated; minus strand). Cytogenetic location: 17q21.31.
Variant type: single nucleotide variant.
Coding change: c.5173G>A on transcript NM_007294.4 (MANE Select); coding-DNA position 5173, G replaced by A.
Protein change: p.Glu1725Lys; replaces glutamic acid 1725 with lysine.
Molecular consequence: missense variant. On other transcripts: non-coding transcript variant (1).
Genome position (GRCh38, 1-based): chr17:43,063,353, C>T on the plus strand (G>A on the coding strand, the complement: BRCA1 is on the minus strand). VCF-style: chr17-43063353-C-T. GRCh37 (hg19) VCF-style: chr17-41215370-C-T.
Other names: c.4960G>A, p.Glu1654Lys (NM_001407571.1, NM_001407900.1, NM_001407902.1 and 12 more transcripts); c.5239G>A, p.Glu1747Lys (NM_001407581.1, NM_001407582.1); c.5236G>A, p.Glu1746Lys (NM_001407583.1, NM_001407585.1, NM_001407587.1 and 1 more transcripts); c.5170G>A, p.Glu1724Lys (NM_001407610.1, NM_001407611.1, NM_001407612.1 and 17 more transcripts); c.5167G>A, p.Glu1723Lys (NM_001407629.1, NM_001407630.1, NM_001407631.1 and 14 more transcripts); c.5113G>A, p.Glu1705Lys (NM_001407649.1); c.5095G>A, p.Glu1699Lys (NM_001407652.1, NM_001407653.1, NM_001407654.1 and 1 more transcripts); c.5092G>A, p.Glu1698Lys (NM_001407656.1, NM_001407657.1, NM_001407658.1); and 72 more; short protein forms E1725K, E1746K, E1678K, E621K, E1556K, E1656K, E1682K, E1683K.
Identifiers: ClinVar variation 867766 (VCV000867766.3), dbSNP rs80357291, ClinGen allele CA10591199.